The following is an entry in ClinVar:

ClinVar aggregate classification (germline): Uncertain significance. Review status: criteria provided, multiple submitters, no conflicts (2 of 4 stars). 3 submissions from 3 submitters: Uncertain significance (3). Last evaluated 2024-02-12.

Conditions:
Inborn genetic diseases. Identifiers: MedGen C0950123, MeSH D030342.

Allele frequency attached by ClinVar (database versions not stated): TOPMed below 0.00001; gnomAD 0.00001; gnomAD exomes 0.00001 and 0.00002; ExAC 0.00002.
gnomAD v4.1: 16 of 1,613,798 alleles (0.00099%); highest among the groups gnomAD compares: Admixed American, 0.0017%; no homozygotes.

Submissions (3):

Labcorp Genetics (formerly Invitae), Labcorp
Classification: Uncertain significance. Last evaluated: 2024-02-12. Review status: criteria provided, single submitter. Criteria: Invitae Variant Classification Sherloc (09022015). Collection method: clinical testing. Allele origin: germline.
Comment: This sequence change replaces threonine, which is neutral and polar, with isoleucine, which is neutral and non-polar, at codon 1566 of the RP1 protein (p.Thr1566Ile). This variant is present in population databases (rs775203481, gnomAD 0.004%). This variant has not been reported in the literature in individuals affected with RP1-related conditions. ClinVar contains an entry for this variant (Variation ID: 953536). An algorithm developed to predict the effect of missense changes on protein structure and function (PolyPhen-2) suggests that this variant is likely to be tolerated. In summary, the available evidence is currently insufficient to determine the role of this variant in disease. Therefore, it has been classified as a Variant of Uncertain Significance.

Ambry Genetics
Classification: Uncertain significance for Inborn genetic diseases. Last evaluated: 2022-01-10. Review status: criteria provided, single submitter. Criteria: Ambry Variant Classification Scheme 2023. Collection method: clinical testing. Allele origin: germline.

Blueprint Genetics
Classification: Uncertain significance. Last evaluated: 2020-12-16. Review status: criteria provided, single submitter. Criteria: ACMG Guidelines, 2015. Collection method: clinical testing. Allele origin: germline.

NM_006269.2(RP1):c.4697C>T (p.Thr1566Ile)

Gene: RP1 (RP1 axonemal microtubule associated; plus strand). Cytogenetic location: 8q12.1.
Variant type: single nucleotide variant.
Coding change: c.4697C>T on transcript NM_006269.2 (MANE Select); coding-DNA position 4697, C replaced by T.
Protein change: p.Thr1566Ile; replaces threonine 1566 with isoleucine.
Molecular consequence: missense variant. On other transcripts: intron variant (1).
Genome position (GRCh38, 1-based): chr8:54,628,579, C>T. VCF-style: chr8-54628579-C-T. GRCh37 (hg19) VCF-style: chr8-55541139-C-T.
Other names: c.787+6291C>T (NM_001375654.1); short protein forms T1566I.
Identifiers: ClinVar variation 953536 (VCV000953536.11), dbSNP rs775203481, ClinGen allele CA4751932.